The following is an entry in ClinVar:

ClinVar aggregate classification (germline): Benign/Likely benign. Review status: criteria provided, multiple submitters, no conflicts (2 of 4 stars). 4 submissions from 4 submitters: Benign (1); Likely benign (3). Last evaluated 2025-07-13.

Conditions:
Hereditary cancer-predisposing syndrome. Also called: Hereditary Cancer Syndrome; Neoplastic Syndromes, Hereditary; Tumor predisposition; Hereditary neoplastic syndrome. Identifiers: Orphanet 140162, MedGen C0027672, MeSH D009386, MONDO:0015356.
Hereditary diffuse gastric adenocarcinoma (HDGC). Also called: DIFFUSE GASTRIC AND LOBULAR BREAST CANCER SYNDROME. Identifiers: Orphanet 26106, MedGen C1708349, MONDO:0007648, OMIM 137215.

Allele frequency attached by ClinVar (database versions not stated): TOPMed below 0.00001.

Submissions (4):

Labcorp Genetics (formerly Invitae), Labcorp
Classification: Likely benign for Hereditary diffuse gastric adenocarcinoma. Last evaluated: 2025-07-13. Review status: criteria provided, single submitter. Criteria: Invitae Variant Classification Sherloc (09022015). Collection method: clinical testing. Allele origin: germline.

Myriad Genetics, Inc.
Classification: Benign for Hereditary diffuse gastric adenocarcinoma. Last evaluated: 2024-09-17. Review status: criteria provided, single submitter. Criteria: Myriad Autosomal Dominant, Autosomal Recessive and X-Linked Classification Criteria (2023). Collection method: clinical testing. Allele origin: unknown.
Comment: This variant is considered benign. This variant is a silent/synonymous amino acid change and it is not expected to impact splicing.

Color Diagnostics, LLC DBA Color Health
Classification: Likely benign for Hereditary cancer-predisposing syndrome. Last evaluated: 2017-11-20. Review status: criteria provided, single submitter. Criteria: ACMG Guidelines, 2015. Collection method: clinical testing. Allele origin: germline.

Ambry Genetics
Classification: Likely benign for Hereditary cancer-predisposing syndrome. Last evaluated: 2015-01-16. Review status: criteria provided, single submitter. Criteria: Ambry Variant Classification Scheme 2023. Collection method: clinical testing. Allele origin: germline.

NM_004360.5(CDH1):c.996G>A (p.Gly332=)

Gene: CDH1 (cadherin 1; plus strand). Cytogenetic location: 16q22.1.
Variant type: single nucleotide variant.
Coding change: c.996G>A on transcript NM_004360.5 (MANE Select); coding-DNA position 996, G replaced by A.
Protein change: p.Gly332=; no amino-acid change (glycine 332 retained).
Molecular consequence: synonymous variant. On other transcripts: 5 prime UTR variant (2).
Genome position (GRCh38, 1-based): chr16:68,811,847, G>A. VCF-style: chr16-68811847-G-A. GRCh37 (hg19) VCF-style: chr16-68845750-G-A.
Other names: c.996G>A, p.Gly332= (NM_001317184.2); c.-620G>A (NM_001317185.2); c.-824G>A (NM_001317186.2); c.996G>A (LRG_301t1).
Identifiers: ClinVar variation 230151 (VCV000230151.19), dbSNP rs876658414, ClinGen allele CA10580099.